The following is an entry in ClinVar:

ClinVar aggregate classification (germline): Conflicting classifications of pathogenicity. Review status: criteria provided, conflicting classifications (1 of 4 stars). 8 submissions from 8 submitters: Pathogenic (3); Likely pathogenic (3); Uncertain significance (1). 1 of the submissions does not count toward it. Last evaluated 2025-12-10.

Conditions:
Cardiovascular phenotype. Identifiers: MedGen CN230736.
ALMS1-related disorder. Also called: ALMS1-related condition.
Alstrom syndrome (ALMS). Identifiers: Orphanet 64, MedGen C0268425, MONDO:0008763, OMIM 203800.

Allele frequency attached by ClinVar (database versions not stated): gnomAD 0.00002; ExAC 0.00003; gnomAD exomes 0.00004 and 0.00005; 1000 Genomes Project 30x 0.00016; 1000 Genomes Project 0.00020.
gnomAD v4.1: 75 of 1,612,310 alleles (0.0047%); highest among the groups gnomAD compares: East Asian, 0.16%; 1 homozygote.

Submissions (8):

Labcorp Genetics (formerly Invitae), Labcorp
Classification: Pathogenic for Alstrom syndrome. Last evaluated: 2025-12-10. Review status: criteria provided, single submitter. Criteria: Invitae Variant Classification Sherloc (09022015). Collection method: clinical testing. Allele origin: germline.
Comment: This sequence change creates a premature translational stop signal (p.Gln144*) in the ALMS1 gene. It is expected to result in an absent or disrupted protein product. Loss-of-function variants in ALMS1 are known to be pathogenic (PMID: 17594715). This variant is present in population databases (rs150825781, gnomAD 0.05%). This variant has not been reported in the literature in individuals affected with ALMS1-related conditions. ClinVar contains an entry for this variant (Variation ID: 551028). Algorithms developed to predict the effect of sequence changes on RNA splicing suggest that this variant may disrupt the consensus splice site. For these reasons, this variant has been classified as Pathogenic.

GeneDx
Classification: Likely pathogenic. Last evaluated: 2024-12-10. Review status: criteria provided, single submitter. Criteria: GeneDx Variant Classification Process June 2021. Collection method: clinical testing. Allele origin: germline. Affected: yes.
Comment: Nonsense variant predicted to result in protein truncation or nonsense mediated decay in a gene for which loss-of-function is a known mechanism of disease; Has not been previously published as pathogenic or benign to our knowledge; This variant is associated with the following publications: (PMID: ChoiS2023[Abstract])

Blueprint Genetics
Classification: Likely pathogenic for ALMS1-related disorders. Last evaluated: 2024-05-14. Review status: criteria provided, single submitter. Criteria: ACMG Guidelines, 2015. Collection method: clinical testing. Allele origin: germline. Affected: yes. Observed: 2 variant alleles.

Ambry Genetics
Classification: Pathogenic for Cardiovascular phenotype. Last evaluated: 2024-04-16. Review status: criteria provided, single submitter. Criteria: Ambry Variant Classification Scheme 2023. Collection method: clinical testing. Allele origin: germline.
Comment: The p.Q144* pathogenic mutation (also known as c.430C>T), located in coding exon 2 of the ALMS1 gene, results from a C to T substitution at nucleotide position 430. This changes the amino acid from a glutamine to a stop codon within coding exon 2. This alteration is expected to result in loss of function by premature protein truncation or nonsense-mediated mRNA decay. As such, this alteration is interpreted as a disease-causing mutation.

PreventionGenetics, part of Exact Sciences
Classification: Uncertain significance for ALMS1-related condition. Last evaluated: 2023-12-24. Review status: criteria provided, single submitter. Criteria: ACMG Guidelines, 2015. Collection method: clinical testing. Allele origin: germline.
Comment: The ALMS1 c.430C>T variant is predicted to result in the amino acid substitution p.Arg144Trp. To our knowledge, this variant has not been reported in the literature. This variant is reported in 0.038% of alleles in individuals of Latino descent in gnomAD. At this time, the clinical significance of this variant is uncertain due to the absence of conclusive functional and genetic evidence.

Women's Health and Genetics/Laboratory Corporation of America, LabCorp
Classification: Pathogenic for Alstrom syndrome. Last evaluated: 2023-06-12. Review status: criteria provided, single submitter. Criteria: LabCorp Variant Classification Summary - May 2015. Collection method: clinical testing. Allele origin: germline.
Comment: Variant summary: ALMS1 c.427C>T/p.Gln143X (also known as c.430C>T/p.Gln144Ter in RefSeq) results in a premature termination codon, predicted to cause a truncation of the encoded protein or absence of the protein due to nonsense mediated decay, which are commonly known mechanisms for disease. The variant allele was found at a frequency of 4.4e-05 in 249446 control chromosomes. This frequency is not significantly higher than estimated for a pathogenic variant in ALMS1 causing Alstrom Syndrome (4.4e-05 vs 0.0014), allowing no conclusion about variant significance. To our knowledge, no occurrence of c.427C>T in individuals affected with Alstrom Syndrome and no experimental evidence demonstrating its impact on protein function have been reported. Two clinical diagnostic laboratories have submitted clinical-significance assessments for this variant to ClinVar after 2014, classifying the variant as pathogenic (n=1) or likely pathogenic (n=1). Based on the evidence outlined above, the variant was classified as pathogenic.

Juno Genomics, Hangzhou Juno Genomics, Inc
Classification: Likely pathogenic for Alstrom syndrome. Review status: criteria provided, single submitter. Criteria: ACMG Guidelines, 2015. Collection method: clinical testing. Allele origin: germline.
Comment: Null variant in a gene where loss of function (LOF) is a known mechanism of disease.

Counsyl
Classification: Likely pathogenic for Alstrom syndrome. Last evaluated: 2017-03-15. Review status: no assertion criteria provided. Collection method: clinical testing. Allele origin: unknown. Not counted in ClinVar's aggregate classification.

Literature cited by the submitters: PubMed 17594715 (cited by Labcorp Genetics (formerly Invitae), Labcorp).

NM_001378454.1(ALMS1):c.427C>T (p.Gln143Ter)

Gene: ALMS1 (ALMS1 centrosome and basal body associated protein; plus strand). Cytogenetic location: 2p13.1.
Variant type: single nucleotide variant.
Coding change: c.427C>T on transcript NM_001378454.1 (MANE Select); coding-DNA position 427, C replaced by T.
Protein change: p.Gln143Ter; replaces glutamine 143 with a stop codon.
Molecular consequence: nonsense.
Genome position (GRCh38, 1-based): chr2:73,408,724, C>T. VCF-style: chr2-73408724-C-T. GRCh37 (hg19) VCF-style: chr2-73635852-C-T.
Other names: c.430C>T, p.Gln144Ter (NM_015120.4); short protein forms Q144*, Q143*.
Identifiers: ClinVar variation 551028 (VCV000551028.19), dbSNP rs150825781, ClinGen allele CA1712828.